The following is an entry in ClinVar:

NM_001036.6(RYR3):c.13341C>A (p.Asn4447Lys)

Gene: RYR3 (ryanodine receptor 3; plus strand). Cytogenetic location: 15q14.
Variant type: single nucleotide variant.
Coding change: c.13341C>A on transcript NM_001036.6 (MANE Select); coding-DNA position 13341, C replaced by A.
Protein change: p.Asn4447Lys; replaces asparagine 4447 with lysine.
Molecular consequence: missense variant.
Genome position (GRCh38, 1-based): chr15:33,844,906, C>A. VCF-style: chr15-33844906-C-A. GRCh37 (hg19) VCF-style: chr15-34137107-C-A.
Other names: c.13326C>A, p.Asn4442Lys (NM_001243996.4); short protein forms N4442K, N4447K.
Identifiers: ClinVar variation 1045593 (VCV001045593.8), dbSNP rs1207059445, ClinGen allele CA391598533.
Genomic context (GRCh38, chr15:33,844,906, plus strand): 5'-GTGTATTTTGAGCCAGGTCACTGAAGAACCTTTAGAAGAAGAGACAGAGGATGTTGCAAA[C>A]CTATGGAATTCCTTTAATGACGAGGAAGAGGAAGAAGCGATGGTATTCTTTGTCCTTCAG-3'
Protein context (NP_001027.3, residues 4437-4457): PLEEETEDVA[Asn4447Lys]LWNSFNDEEE

ClinVar aggregate classification (germline): Uncertain significance (1 of 4 stars; one submission).

Conditions:
Epileptic encephalopathy. Identifiers: MedGen C0543888, HP:0200134.

Allele frequency attached by ClinVar (database versions not stated): gnomAD exomes 0.00001; TOPMed 0.00001.
gnomAD v4.1: 4 of 1,613,992 alleles (0.00025%); highest among the groups gnomAD compares: Admixed American, 0.005%; no homozygotes.

Submission:

Labcorp Genetics (formerly Invitae), Labcorp
Classification: Uncertain significance for Epileptic encephalopathy. Last evaluated: 2020-07-26. Review status: criteria provided, single submitter. Criteria: Invitae Variant Classification Sherloc (09022015). Collection method: clinical testing. Allele origin: germline.
Comment: In summary, the available evidence is currently insufficient to determine the role of this variant in disease. Therefore, it has been classified as a Variant of Uncertain Significance. Algorithms developed to predict the effect of missense changes on protein structure and function are either unavailable or do not agree on the potential impact of this missense change (SIFT: "Deleterious"; PolyPhen-2: "Benign"; Align-GVGD: "Class C0"). This variant has not been reported in the literature in individuals with RYR3-related conditions. This variant is not present in population databases (ExAC no frequency). This sequence change replaces asparagine with lysine at codon 4447 of the RYR3 protein (p.Asn4447Lys). The asparagine residue is moderately conserved and there is a moderate physicochemical difference between asparagine and lysine.